The following is an entry in ClinVar:

ClinVar aggregate classification (germline): Likely benign. Review status: criteria provided, multiple submitters, no conflicts (2 of 4 stars). 2 submissions from 2 submitters: Likely benign (2). Last evaluated 2018-06-14.

Allele frequency attached by ClinVar (database versions not stated): gnomAD exomes 0.00103; gnomAD 0.01121 and 0.01210; 1000 Genomes Project 0.01238; TOPMed 0.01280; 1000 Genomes Project 30x 0.01343.
gnomAD v4.1: 3,236 of 1,582,172 alleles (0.2%); highest among the groups gnomAD compares: African/African-American, 3.7%; 57 homozygotes.

Submissions (2):

GeneDx
Classification: Likely benign. Last evaluated: 2018-06-14. Review status: criteria provided, single submitter. Criteria: GeneDx Variant Classification (06012015). Collection method: clinical testing. Allele origin: germline. Affected: yes.
Comment: This variant is considered likely benign or benign based on one or more of the following criteria: it is a conservative change, it occurs at a poorly conserved position in the protein, it is predicted to be benign by multiple in silico algorithms, and/or has population frequency not consistent with disease.

Breakthrough Genomics
Classification: Likely benign. Review status: criteria provided, single submitter. Criteria: ACMG Guidelines, 2015. Collection method: not provided. Allele origin: germline. Inheritance: Autosomal recessive inheritance. Affected: yes.

NM_001378454.1(ALMS1):c.7675-66A>T

Gene: ALMS1 (ALMS1 centrosome and basal body associated protein; plus strand). Cytogenetic location: 2p13.1.
Variant type: single nucleotide variant.
Coding change: c.7675-66A>T on transcript NM_001378454.1 (MANE Select); 66 bases into the intron before coding-DNA position 7675, A replaced by T.
Molecular consequence: intron variant.
Genome position (GRCh38, 1-based): chr2:73,489,568, A>T. VCF-style: chr2-73489568-A-T. GRCh37 (hg19) VCF-style: chr2-73716695-A-T.
Other names: c.7675-66A>T (NM_015120.4); c.7678-66A>T (NM_015120.4).
Identifiers: ClinVar variation 677813 (VCV000677813.2), dbSNP rs75510346, ClinGen allele CA50377170.